The following is an entry in ClinVar:

ClinVar aggregate classification (germline): Uncertain significance (1 of 4 stars; one submission).

Submission:

Labcorp Genetics (formerly Invitae), Labcorp
Classification: Uncertain significance. Last evaluated: 2025-05-26. Review status: criteria provided, single submitter. Criteria: Invitae Variant Classification Sherloc (09022015). Collection method: clinical testing. Allele origin: germline.
Comment: This sequence change creates a premature translational stop signal (p.Phe417*) in the TBX6 gene. While this is not anticipated to result in nonsense mediated decay, it is expected to disrupt the last 20 amino acid(s) of the TBX6 protein. This variant is present in population databases (no rsID available, gnomAD 0.0004%). This variant has not been reported in the literature in individuals affected with TBX6-related conditions. ClinVar contains an entry for this variant (Variation ID: 3000556). In summary, the available evidence is currently insufficient to determine the role of this variant in disease. Therefore, it has been classified as a Variant of Uncertain Significance.

NM_004608.4(TBX6):c.1250_1251delinsAA (p.Phe417Ter)

Gene: TBX6 (T-box transcription factor 6; minus strand). Cytogenetic location: 16p11.2.
Variant type: Indel.
Coding change: c.1250_1251delinsAA on transcript NM_004608.4 (MANE Select); coding-DNA positions 1250 to 1251, TC replaced by AA.
Protein change: p.Phe417Ter; replaces phenylalanine 417 with a stop codon.
Molecular consequence: nonsense.
Genome position (GRCh38, 1-based): chr16:30,086,285-30,086,286, GA replaced by TT on the plus strand (TC replaced by AA on the coding strand, the reverse complement: TBX6 is on the minus strand). VCF-style: chr16-30086285-GA-TT. GRCh37 (hg19) VCF-style: chr16-30097606-GA-TT.
Other names: short protein forms F417*.
Identifiers: ClinVar variation 3000556 (VCV003000556.3), dbSNP rs2543659303, ClinGen allele CA2740093295.
Genomic context (GRCh38, chr16:30,086,285, plus strand): 5'-TCAGTACATGGGTTTGGAGCCCACATCCAGATAGCCCCCAGGCGCGGTGTATGGTAGAGG[GA>TT]AGGGGCCCCCTTGGAGAAAGTGCGGGGCAAAGGGTACCGCCGGTGGAGCCGCTGGGTACC-3'